The following is an entry in ClinVar:

NM_002334.4(LRP4):c.3729_3730delinsTT (p.Asn1244Tyr)

Gene: LRP4 (LDL receptor related protein 4; minus strand). Cytogenetic location: 11p11.2.
Variant type: Indel.
Coding change: c.3729_3730delinsTT on transcript NM_002334.4 (MANE Select); coding-DNA positions 3729 to 3730, CA replaced by TT.
Protein change: p.Asn1244Tyr; replaces asparagine 1244 with tyrosine.
Molecular consequence: missense variant.
Genome position (GRCh38, 1-based): chr11:46,875,651-46,875,652, TG replaced by AA on the plus strand (CA replaced by TT on the coding strand, the reverse complement: LRP4 is on the minus strand). VCF-style: chr11-46875651-TG-AA. GRCh37 (hg19) VCF-style: chr11-46897202-TG-AA.
Other names: short protein forms N1244Y.
Identifiers: ClinVar variation 373727 (VCV000373727.1), dbSNP rs1057518573, ClinGen allele CA16042789.

ClinVar aggregate classification (germline): Uncertain significance (1 of 4 stars; one submission).

Submission:

GeneDx
Classification: Uncertain significance. Last evaluated: 2016-11-29. Review status: criteria provided, single submitter. Criteria: GeneDx Variant Classification (06012015). Collection method: clinical testing. Allele origin: germline. Affected: yes.
Comment: A variant of uncertain significance has been identified in the LRP4 gene. The c.3729_3730delCAinsTT variant has not been published as a pathogenic variant, nor has it been reported as a benign variant to our knowledge. It is not observed in large population cohorts (Lek et al., 2016; 1000 Genomes Consortium et al., 2015; Exome Variant Server). The c.3729_3730delCAinsTT variant causes an in-frame replacement of one amino acid, resulting in a missense substitution denoted p.N1244Y. This substitution occurs at a position where amino acids with similar properties to Asparagine are tolerated across species. However, the N1244Y variant is a semi-conservative amino acid substitution, which may impact secondary protein structure as these residues differ in some properties. Additionally, in silico analysis predicts this variant is probably damaging to the protein structure/function. Based on the currently available information, it is unclear whether this variant is a pathogenic variant or a rare benign variant.